The following is an entry in ClinVar:

NM_000452.3(SLC10A2):c.133G>A (p.Val45Met)

Gene: SLC10A2 (solute carrier family 10 member 2; minus strand). Cytogenetic location: 13q33.1.
Variant type: single nucleotide variant.
Coding change: c.133G>A on transcript NM_000452.3 (MANE Select); coding-DNA position 133, G replaced by A.
Protein change: p.Val45Met; replaces valine 45 with methionine.
Molecular consequence: missense variant.
Genome position (GRCh38, 1-based): chr13:103,066,117, C>T on the plus strand (G>A on the coding strand, the complement: SLC10A2 is on the minus strand). VCF-style: chr13-103066117-C-T. GRCh37 (hg19) VCF-style: chr13-103718467-C-T.
Other names: c.133G>A (NM_000452.2); short protein forms V45M.
Identifiers: ClinVar variation 502571 (VCV000502571.10), dbSNP rs780918056, ClinGen allele CA7042337.

ClinVar aggregate classification (germline): Uncertain significance. Review status: criteria provided, multiple submitters, no conflicts (2 of 4 stars). 4 submissions from 4 submitters: Uncertain significance (4). Last evaluated 2025-02-25.

Allele frequency attached by ClinVar (database versions not stated): gnomAD exomes below 0.00001 and 0.00001; TOPMed 0.00001; ExAC 0.00002.
gnomAD v4.1: 4 of 1,614,074 alleles (0.00025%); highest among the groups gnomAD compares: Non-Finnish European, 0.00034%; no homozygotes.

Submissions (4):

Ambry Genetics
Classification: Uncertain significance. Last evaluated: 2025-02-25. Review status: criteria provided, single submitter. Criteria: Ambry Variant Classification Scheme 2023. Collection method: clinical testing. Allele origin: germline.

Labcorp Genetics (formerly Invitae), Labcorp
Classification: Uncertain significance. Last evaluated: 2023-12-11. Review status: criteria provided, single submitter. Criteria: Invitae Variant Classification Sherloc (09022015). Collection method: clinical testing. Allele origin: germline.
Comment: This sequence change replaces valine, which is neutral and non-polar, with methionine, which is neutral and non-polar, at codon 45 of the SLC10A2 protein (p.Val45Met). This variant is present in population databases (rs780918056, gnomAD 0.002%). This variant has not been reported in the literature in individuals affected with SLC10A2-related conditions. ClinVar contains an entry for this variant (Variation ID: 502571). Advanced modeling of protein sequence and biophysical properties (such as structural, functional, and spatial information, amino acid conservation, physicochemical variation, residue mobility, and thermodynamic stability) performed at Invitae indicates that this missense variant is not expected to disrupt SLC10A2 protein function with a negative predictive value of 80%. In summary, the available evidence is currently insufficient to determine the role of this variant in disease. Therefore, it has been classified as a Variant of Uncertain Significance.

Eurofins Ntd Llc (ga)
Classification: Uncertain significance. Last evaluated: 2017-06-14. Review status: criteria provided, single submitter. Criteria: EGL Classification Definitions 2015. Collection method: clinical testing. Allele origin: germline. Observed: 1 variant allele, 1 heterozygote.

Breakthrough Genomics
Classification: Uncertain significance. Review status: criteria provided, single submitter. Criteria: ACMG Guidelines, 2015. Collection method: not provided. Allele origin: germline. Inheritance: Autosomal recessive inheritance. Affected: yes.